The following is an entry in ClinVar:

ClinVar aggregate classification (germline): Uncertain significance (1 of 4 stars; one submission).

Conditions:
Ataxia-telangiectasia syndrome (AT). Also called: Ataxia-telangiectasia; LOUIS-BAR SYNDROME; Ataxia-telangiectasia, complementation group D; AT, COMPLEMENTATION GROUP C; ATAXIA-TELANGIECTASIA, COMPLEMENTATION GROUP A; ATAXIA-TELANGIECTASIA, FRESNO VARIANT. Identifiers: Orphanet 100, MedGen C0004135, MONDO:0008840, OMIM 208900.

Submission:

Labcorp Genetics (formerly Invitae), Labcorp
Classification: Uncertain significance for Ataxia-telangiectasia syndrome. Last evaluated: 2021-01-15. Review status: criteria provided, single submitter. Criteria: Invitae Variant Classification Sherloc (09022015). Collection method: clinical testing. Allele origin: germline.
Comment: In summary, the available evidence is currently insufficient to determine the role of this variant in disease. Therefore, it has been classified as a Variant of Uncertain Significance. Advanced modeling of protein sequence and biophysical properties (such as structural, functional, and spatial information, amino acid conservation, physicochemical variation, residue mobility, and thermodynamic stability) performed at Invitae indicates that this missense variant is expected to disrupt ATM protein function. This variant has not been reported in the literature in individuals with ATM-related conditions. This variant is not present in population databases (ExAC no frequency). This sequence change replaces histidine with aspartic acid at codon 2872 of the ATM protein (p.His2872Asp). The histidine residue is highly conserved and there is a moderate physicochemical difference between histidine and aspartic acid.

NM_000051.4(ATM):c.8614C>G (p.His2872Asp)

Genes: ATM (ATM serine/threonine kinase; plus strand), C11orf65 (chromosome 11 open reading frame 65; minus strand). Cytogenetic location: 11q22.3.
Variant type: single nucleotide variant.
Coding change: c.8614C>G on transcript NM_000051.4 (MANE Select); coding-DNA position 8614, C replaced by G.
Protein change: p.His2872Asp; replaces histidine 2872 with aspartic acid.
Molecular consequence: missense variant. On other transcripts: intron variant (2).
Genome position (GRCh38, 1-based): chr11:108,347,308, C>G. VCF-style: chr11-108347308-C-G. GRCh37 (hg19) VCF-style: chr11-108218035-C-G.
Other names: c.8614C>G, p.His2872Asp (NM_001351834.2); c.641-38237G>C (NM_001330368.2); c.695-12016G>C (NM_001351110.2); short protein forms H2872D.
Identifiers: ClinVar variation 1365041 (VCV001365041.8), dbSNP rs2088549387, ClinGen allele CA382520655.